The following is an entry in ClinVar:

ClinVar aggregate classification (germline): Conflicting classifications of pathogenicity. Review status: criteria provided, conflicting classifications (1 of 4 stars). 2 submissions from 2 submitters: Uncertain significance (1); Likely benign (1). Last evaluated 2025-03-02.

Allele frequency attached by ClinVar (database versions not stated): gnomAD 0.00001 and 0.00002; TOPMed 0.00003; ExAC 0.00004; 1000 Genomes Project 30x 0.00016; 1000 Genomes Project 0.00020.
gnomAD v4.1: 22 of 1,611,702 alleles (0.0014%); highest among the groups gnomAD compares: South Asian, 0.0055%; no homozygotes.

Submissions (2):

Ambry Genetics
Classification: Likely benign. Last evaluated: 2025-03-02. Review status: criteria provided, single submitter. Criteria: Ambry Variant Classification Scheme 2023. Collection method: clinical testing. Allele origin: germline.

Labcorp Genetics (formerly Invitae), Labcorp
Classification: Uncertain significance. Last evaluated: 2024-04-09. Review status: criteria provided, single submitter. Criteria: Invitae Variant Classification Sherloc (09022015). Collection method: clinical testing. Allele origin: germline.
Comment: This sequence change replaces arginine, which is basic and polar, with glutamine, which is neutral and polar, at codon 1029 of the A2ML1 protein (p.Arg1029Gln). This variant is present in population databases (rs762232957, gnomAD 0.007%). This variant has not been reported in the literature in individuals affected with A2ML1-related conditions. ClinVar contains an entry for this variant (Variation ID: 1046653). Algorithms developed to predict the effect of missense changes on protein structure and function output the following: SIFT: "Not Available"; PolyPhen-2: "Benign"; Align-GVGD: "Not Available". The glutamine amino acid residue is found in multiple mammalian species, which suggests that this missense change does not adversely affect protein function. In summary, the available evidence is currently insufficient to determine the role of this variant in disease. Therefore, it has been classified as a Variant of Uncertain Significance.

NM_144670.6(A2ML1):c.3086G>A (p.Arg1029Gln)

Gene: A2ML1 (alpha-2-macroglobulin like 1; plus strand). Cytogenetic location: 12p13.31.
Variant type: single nucleotide variant.
Coding change: c.3086G>A on transcript NM_144670.6 (MANE Select); coding-DNA position 3086, G replaced by A.
Protein change: p.Arg1029Gln; replaces arginine 1029 with glutamine.
Molecular consequence: missense variant.
Genome position (GRCh38, 1-based): chr12:8,857,567, G>A. VCF-style: chr12-8857567-G-A. GRCh37 (hg19) VCF-style: chr12-9010163-G-A.
Other names: c.3086G>A (NM_144670.3); c.1613G>A, p.Arg538Gln (NM_001282424.3); short protein forms R538Q, R1029Q.
Identifiers: ClinVar variation 1046653 (VCV001046653.10), dbSNP rs762232957, ClinGen allele CA6436247.